The following is an entry in ClinVar:

NM_016169.4(SUFU):c.781A>C (p.Thr261Pro)

Gene: SUFU (SUFU negative regulator of hedgehog signaling; plus strand). Cytogenetic location: 10q24.32.
Variant type: single nucleotide variant.
Coding change: c.781A>C on transcript NM_016169.4 (MANE Select); coding-DNA position 781, A replaced by C.
Protein change: p.Thr261Pro; replaces threonine 261 with proline.
Molecular consequence: missense variant.
Genome position (GRCh38, 1-based): chr10:102,597,164, A>C. VCF-style: chr10-102597164-A-C. GRCh37 (hg19) VCF-style: chr10-104356921-A-C.
Other names: c.781A>C, p.Thr261Pro (NM_001178133.2); short protein forms T261P.
Identifiers: ClinVar variation 1018251 (VCV001018251.9), dbSNP rs2063471103, ClinGen allele CA377910333.

ClinVar aggregate classification (germline): Uncertain significance (1 of 4 stars; one submission).

Conditions:
Medulloblastoma (MDB). Also called: MEDULLOBLASTOMA PREDISPOSITION SYNDROME; Medulloblastoma, somatic. Identifiers: Orphanet 616, MedGen C0025149, MeSH D008527, MONDO:0007959, OMIM 155255, HP:0002885.
Gorlin syndrome. Also called: Nevoid Basal Cell Carcinoma Syndrome; Basal cell nevus syndrome. Identifiers: Orphanet 377, MedGen C0004779, MONDO:0007187.

Submission:

Labcorp Genetics (formerly Invitae), Labcorp
Classification: Uncertain significance for Gorlin syndrome; Medulloblastoma. Last evaluated: 2020-10-19. Review status: criteria provided, single submitter. Criteria: Invitae Variant Classification Sherloc (09022015). Collection method: clinical testing. Allele origin: germline.
Comment: In summary, the available evidence is currently insufficient to determine the role of this variant in disease. Therefore, it has been classified as a Variant of Uncertain Significance. Algorithms developed to predict the effect of missense changes on protein structure and function (SIFT, PolyPhen-2, Align-GVGD) all suggest that this variant is likely to be tolerated, but these predictions have not been confirmed by published functional studies and their clinical significance is uncertain. This variant has not been reported in the literature in individuals with SUFU-related conditions. This variant is not present in population databases (ExAC no frequency). This sequence change replaces threonine with proline at codon 261 of the SUFU protein (p.Thr261Pro). The threonine residue is highly conserved and there is a small physicochemical difference between threonine and proline.